The following is an entry in ClinVar:

NM_001388492.1(HTT):c.7801A>G (p.Ile2601Val)

Gene: HTT (huntingtin; plus strand). Cytogenetic location: 4p16.3.
Variant type: single nucleotide variant.
Coding change: c.7801A>G on transcript NM_001388492.1 (MANE Select); coding-DNA position 7801, A replaced by G.
Protein change: p.Ile2601Val; replaces isoleucine 2601 with valine.
Molecular consequence: missense variant.
Genome position (GRCh38, 1-based): chr4:3,225,696, A>G. VCF-style: chr4-3225696-A-G. GRCh37 (hg19) VCF-style: chr4-3227423-A-G.
Other names: c.7807A>G, p.Ile2603Val (NM_002111.8); short protein forms I2603V, I2601V.
Identifiers: ClinVar variation 1489193 (VCV001489193.6), dbSNP rs1376529257, ClinGen allele CA356098544.

ClinVar aggregate classification (germline): Uncertain significance (1 of 4 stars; one submission).

Submission:

Labcorp Genetics (formerly Invitae), Labcorp
Classification: Uncertain significance. Last evaluated: 2022-06-27. Review status: criteria provided, single submitter. Criteria: Invitae Variant Classification Sherloc (09022015). Collection method: clinical testing. Allele origin: germline.
Comment: This variant has not been reported in the literature in individuals affected with HTT-related conditions. In summary, the available evidence is currently insufficient to determine the role of this variant in disease. Therefore, it has been classified as a Variant of Uncertain Significance. Experimental studies and prediction algorithms are not available or were not evaluated, and the functional significance of this variant is currently unknown. This variant is not present in population databases (gnomAD no frequency). This sequence change replaces isoleucine, which is neutral and non-polar, with valine, which is neutral and non-polar, at codon 2603 of the HTT protein (p.Ile2603Val).